The following is an entry in ClinVar:

NM_001042545.2(LTBP4):c.1339C>T (p.Pro447Ser)

Gene: LTBP4 (latent transforming growth factor beta binding protein 4; plus strand). Cytogenetic location: 19q13.2.
Variant type: single nucleotide variant.
Coding change: c.1339C>T on transcript NM_001042545.2 (MANE Select); coding-DNA position 1339, C replaced by T.
Protein change: p.Pro447Ser; replaces proline 447 with serine.
Molecular consequence: missense variant.
Genome position (GRCh38, 1-based): chr19:40,608,516, C>T. VCF-style: chr19-40608516-C-T. GRCh37 (hg19) VCF-style: chr19-41114422-C-T.
Other names: c.1540C>T, p.Pro514Ser (NM_001042544.1); c.1429C>T, p.Pro477Ser (NM_003573.2); short protein forms P477S, P514S, P447S.
Identifiers: ClinVar variation 2121354 (VCV002121354.3), dbSNP rs1322778948, ClinGen allele CA405936285.

ClinVar aggregate classification (germline): Uncertain significance. Review status: criteria provided, multiple submitters, no conflicts (2 of 4 stars). 2 submissions from 2 submitters: Uncertain significance (2). Last evaluated 2025-08-11.

Conditions:
Inborn genetic diseases. Identifiers: MedGen C0950123, MeSH D030342.

Allele frequency attached by ClinVar (database versions not stated): gnomAD exomes below 0.00001.
gnomAD v4.1: 1 of 1,606,854 alleles (0.000062%); highest among the groups gnomAD compares: Non-Finnish European, 0.000085%; no homozygotes.

Submissions (2):

Ambry Genetics
Classification: Uncertain significance for Inborn genetic diseases. Last evaluated: 2025-08-11. Review status: criteria provided, single submitter. Criteria: Ambry Variant Classification Scheme 2023. Collection method: clinical testing. Allele origin: germline.

Labcorp Genetics (formerly Invitae), Labcorp
Classification: Uncertain significance. Last evaluated: 2022-04-10. Review status: criteria provided, single submitter. Criteria: Invitae Variant Classification Sherloc (09022015). Collection method: clinical testing. Allele origin: germline.
Comment: Experimental studies and prediction algorithms are not available or were not evaluated, and the functional significance of this variant is currently unknown. This variant has not been reported in the literature in individuals affected with LTBP4-related conditions. This variant is not present in population databases (gnomAD no frequency). This sequence change replaces proline, which is neutral and non-polar, with serine, which is neutral and polar, at codon 477 of the LTBP4 protein (p.Pro477Ser). In summary, the available evidence is currently insufficient to determine the role of this variant in disease. Therefore, it has been classified as a Variant of Uncertain Significance.